The following is an entry in ClinVar:

NM_014363.6(SACS):c.7321C>T (p.Gln2441Ter)

Gene: SACS (sacsin molecular chaperone; minus strand). Cytogenetic location: 13q12.12.
Variant type: single nucleotide variant.
Coding change: c.7321C>T on transcript NM_014363.6 (MANE Select); coding-DNA position 7321, C replaced by T.
Protein change: p.Gln2441Ter; replaces glutamine 2441 with a stop codon.
Molecular consequence: nonsense.
Genome position (GRCh38, 1-based): chr13:23,336,555, G>A on the plus strand (C>T on the coding strand, the complement: SACS is on the minus strand). VCF-style: chr13-23336555-G-A. GRCh37 (hg19) VCF-style: chr13-23910694-G-A.
Other names: c.6880C>T, p.Gln2294Ter (NM_001278055.2); short protein forms Q2294*, Q2441*.
Identifiers: ClinVar variation 2015728 (VCV002015728.5), dbSNP rs749633223, ClinGen allele CA246656972.

ClinVar aggregate classification (germline): Pathogenic/Likely pathogenic. Review status: criteria provided, multiple submitters, no conflicts (2 of 4 stars). 2 submissions from 2 submitters: Pathogenic (1); Likely pathogenic (1). Last evaluated 2026-04-28.

Conditions:
Spastic paraplegia. Identifiers: MedGen C0037772, HP:0001258.
Charlevoix-Saguenay spastic ataxia (SACS). Also called: SPASTIC ATAXIA 6, AUTOSOMAL RECESSIVE; AUTOSOMAL RECESSIVE SPASTIC ATAXIA OF CHARLEVOIX-SAGUENAY; Spastic ataxia of Charlevoix-Saguenay. Identifiers: Orphanet 98, MedGen C1849140, MONDO:0010041, OMIM 270550.

Allele frequency attached by ClinVar (database versions not stated): gnomAD exomes below 0.00001.
gnomAD v4.1: 3 of 1,613,706 alleles (0.00019%); highest among the groups gnomAD compares: Non-Finnish European, 0.00025%; no homozygotes.

Submissions (2):

Wales Gene Park, Division Of Cancer and Genetics, Cardiff University
Classification: Likely pathogenic for Charlevoix-Saguenay spastic ataxia. Last evaluated: 2026-04-28. Review status: criteria provided, single submitter. Criteria: ACGS Best Practice Guidelines for Variant Classification in Rare Disease 2024. Collection method: research. Allele origin: inherited. Inheritance: Autosomal recessive inheritance. Affected: yes. Study: 100,000 Genomes Project (Wales).
Comment: Low frequency in gnomAD (v4.1.1). The SACS p.Gln2441Ter variant has previously been reported as pathogenic in ClinVar (Accession VCV002015728.4). Evidence codes: PVS1_strong, PM2, PM3.

Labcorp Genetics (formerly Invitae), Labcorp
Classification: Pathogenic for Spastic paraplegia. Last evaluated: 2022-07-10. Review status: criteria provided, single submitter. Criteria: Invitae Variant Classification Sherloc (09022015). Collection method: clinical testing. Allele origin: germline.
Comment: For these reasons, this variant has been classified as Pathogenic. This variant disrupts a region of the SACS protein in which other variant(s) (p.Asn4549Asp) have been determined to be pathogenic (PMID: 15156359, 21507954). This suggests that this is a clinically significant region of the protein, and that variants that disrupt it are likely to be disease-causing. This variant has not been reported in the literature in individuals affected with SACS-related conditions. This variant is not present in population databases (gnomAD no frequency). This sequence change creates a premature translational stop signal (p.Gln2441*) in the SACS gene. While this is not anticipated to result in nonsense mediated decay, it is expected to disrupt the last 2139 amino acid(s) of the SACS protein.

Literature cited by the submitters: PubMed 15156359 (cited by Labcorp Genetics (formerly Invitae), Labcorp); PubMed 21507954 (cited by Labcorp Genetics (formerly Invitae), Labcorp).